The following is an entry in ClinVar:

ClinVar aggregate classification (germline): Pathogenic (1 of 4 stars; one submission).

Conditions:
Early-infantile DEE. Also called: Ohtahara syndrome; Early infantile epileptic encephalopathy; Early infantile epileptic encephalopathy with suppression bursts. Identifiers: Orphanet 1934, MedGen C0393706, MONDO:0800491.

Submission:

Labcorp Genetics (formerly Invitae), Labcorp
Classification: Pathogenic for Early-infantile DEE. Last evaluated: 2022-08-31. Review status: criteria provided, single submitter. Criteria: Invitae Variant Classification Sherloc (09022015). Collection method: clinical testing. Allele origin: germline.
Comment: For these reasons, this variant has been classified as Pathogenic. This variant disrupts a region of the SCN1A protein in which other variant(s) (p.Arg1912*) have been determined to be pathogenic (PMID: 14738421, 20522430, 23195492). This suggests that this is a clinically significant region of the protein, and that variants that disrupt it are likely to be disease-causing. ClinVar contains an entry for this variant (Variation ID: 1375417). This variant has not been reported in the literature in individuals affected with SCN1A-related conditions. This variant is not present in population databases (gnomAD no frequency). This sequence change creates a premature translational stop signal (p.Glu1794Lysfs*7) in the SCN1A gene. While this is not anticipated to result in nonsense mediated decay, it is expected to disrupt the last 216 amino acid(s) of the SCN1A protein.

Literature cited by the submitters: PubMed 14738421; PubMed 20522430; PubMed 23195492.

NM_001165963.4(SCN1A):c.5379del (p.Glu1794fs)

Genes: SCN1A (sodium voltage-gated channel alpha subunit 1; minus strand), LOC102724058 (uncharacterized LOC102724058; plus strand). Cytogenetic location: 2q24.3.
Variant type: Deletion.
Coding change: c.5379del on transcript NM_001165963.4 (MANE Select); coding-DNA position 5379, one base deleted (T; older notation c.5379delT).
Protein change: p.Glu1794fs; shifts the reading frame from glutamic acid 1794.
Molecular consequence: frameshift variant. On other transcripts: non-coding transcript variant (1).
Genome position (GRCh38, 1-based): chr2:165,991,896, A deleted on the plus strand (T on the coding strand, the reverse complement: SCN1A is on the minus strand). VCF-style (leftmost placement, unchanged base first): chr2-165991895-CA-C. GRCh37 (hg19) VCF-style: chr2-166848405-CA-C.
Other names: c.5295del, p.Glu1766fs (NM_001165964.3, NM_001353957.2, NM_001353958.2); c.5379del, p.Glu1794fs (NM_001202435.3, NM_001353948.2); c.5346del, p.Glu1783fs (NM_001353949.2, NM_001353950.2, NM_001353951.2 and 2 more transcripts); c.5343del, p.Glu1782fs (NM_001353954.2, NM_001353955.2); c.5292del, p.Glu1765fs (NM_001353960.2); c.2937del, p.Glu980fs (NM_001353961.2); short protein forms E1765fs, E1766fs, E1782fs, E980fs, E1783fs, E1794fs.
Identifiers: ClinVar variation 1375417 (VCV001375417.9), dbSNP rs2105428629, ClinGen allele CA2573133691.